The following is an entry in ClinVar:

ClinVar aggregate classification (germline): Uncertain significance. Review status: criteria provided, multiple submitters, no conflicts (2 of 4 stars). 2 submissions from 2 submitters: Uncertain significance (2). Last evaluated 2025-06-30.

Conditions:
Cardiovascular phenotype. Identifiers: MedGen CN230736.
Hypertrophic cardiomyopathy 14. Identifiers: MedGen C2750467, MONDO:0013197, OMIM 613251.

Submissions (2):

Labcorp Genetics (formerly Invitae), Labcorp
Classification: Uncertain significance for Hypertrophic cardiomyopathy 14. Last evaluated: 2025-06-30. Review status: criteria provided, single submitter. Criteria: Invitae Variant Classification Sherloc (09022015). Collection method: clinical testing. Allele origin: germline.
Comment: This sequence change replaces threonine, which is neutral and polar, with isoleucine, which is neutral and non-polar, at codon 510 of the MYH6 protein (p.Thr510Ile). This variant is not present in population databases (gnomAD no frequency). This variant has not been reported in the literature in individuals affected with MYH6-related conditions. ClinVar contains an entry for this variant (Variation ID: 2467219). Invitae Evidence Modeling of protein sequence and biophysical properties (such as structural, functional, and spatial information, amino acid conservation, physicochemical variation, residue mobility, and thermodynamic stability) indicates that this missense variant is not expected to disrupt MYH6 protein function with a negative predictive value of 80%. In summary, the available evidence is currently insufficient to determine the role of this variant in disease. Therefore, it has been classified as a Variant of Uncertain Significance.

Ambry Genetics
Classification: Uncertain significance for Cardiovascular phenotype. Last evaluated: 2023-03-02. Review status: criteria provided, single submitter. Criteria: Ambry Variant Classification Scheme 2023. Collection method: clinical testing. Allele origin: germline.

NM_002471.4(MYH6):c.1529C>T (p.Thr510Ile)

Gene: MYH6 (myosin heavy chain 6; minus strand). Cytogenetic location: 14q11.2.
Variant type: single nucleotide variant.
Coding change: c.1529C>T on transcript NM_002471.4 (MANE Select); coding-DNA position 1529, C replaced by T.
Protein change: p.Thr510Ile; replaces threonine 510 with isoleucine.
Molecular consequence: missense variant.
Genome position (GRCh38, 1-based): chr14:23,400,308, G>A on the plus strand (C>T on the coding strand, the complement: MYH6 is on the minus strand). VCF-style: chr14-23400308-G-A. GRCh37 (hg19) VCF-style: chr14-23869517-G-A.
Other names: short protein forms T510I.
Identifiers: ClinVar variation 2467219 (VCV002467219.3), dbSNP rs2502191495, ClinGen allele CA389022450.